The following is an entry in ClinVar:

NM_001318895.3(FHL2):c.82T>C (p.Cys28Arg)

Gene: FHL2 (four and a half LIM domains 2; minus strand). Cytogenetic location: 2q12.2.
Variant type: single nucleotide variant.
Coding change: c.82T>C on transcript NM_001318895.3 (MANE Select); coding-DNA position 82, T replaced by C.
Protein change: p.Cys28Arg; replaces cysteine 28 with arginine.
Molecular consequence: missense variant. On other transcripts: 5 prime UTR variant (3).
Genome position (GRCh38, 1-based): chr2:105,386,435, A>G on the plus strand (T>C on the coding strand, the complement: FHL2 is on the minus strand). VCF-style: chr2-105386435-A-G. GRCh37 (hg19) VCF-style: chr2-106002892-A-G.
Other names: c.82T>C, p.Cys28Arg (NM_001039492.3, NM_001318894.1, NM_001318896.2 and 4 more transcripts); c.-86T>C (NM_001318897.2, NM_001318898.2); c.-365T>C (NM_001318899.2); short protein forms C28R.
Identifiers: ClinVar variation 2070461 (VCV002070461.4), dbSNP rs1340905884, ClinGen allele CA348100447.

ClinVar aggregate classification (germline): Uncertain significance (1 of 4 stars; one submission).

Conditions:
Primary dilated cardiomyopathy (DCM). Also called: Dilated Cardiomyopathy. Identifiers: Orphanet 217604, MedGen C0007193, MeSH D002311, MONDO:0005021, HP:0001644. Inheritance: Various modes of inheritance.

Allele frequency attached by ClinVar (database versions not stated): gnomAD exomes below 0.00001; TOPMed below 0.00001; gnomAD 0.00001.
gnomAD v4.1: 7 of 1,614,126 alleles (0.00043%); highest among the groups gnomAD compares: South Asian, 0.0011%; no homozygotes.

Submission:

Labcorp Genetics (formerly Invitae), Labcorp
Classification: Uncertain significance for Primary dilated cardiomyopathy. Last evaluated: 2022-01-02. Review status: criteria provided, single submitter. Criteria: Invitae Variant Classification Sherloc (09022015). Collection method: clinical testing. Allele origin: germline.
Comment: This sequence change replaces cysteine, which is neutral and slightly polar, with arginine, which is basic and polar, at codon 28 of the FHL2 protein (p.Cys28Arg). This variant is not present in population databases (gnomAD no frequency). In summary, the available evidence is currently insufficient to determine the role of this variant in disease. Therefore, it has been classified as a Variant of Uncertain Significance. Algorithms developed to predict the effect of missense changes on protein structure and function are either unavailable or do not agree on the potential impact of this missense change (SIFT: "Deleterious"; PolyPhen-2: "Probably Damaging"; Align-GVGD: "Class C0"). This variant has not been reported in the literature in individuals affected with FHL2-related conditions.